The following is an entry in ClinVar:

ClinVar aggregate classification (germline): Conflicting classifications of pathogenicity. Review status: criteria provided, conflicting classifications (1 of 4 stars). 2 submissions from 2 submitters: Uncertain significance (1); Likely benign (1). Last evaluated 2023-03-23.

Conditions:
Hereditary breast ovarian cancer syndrome. Also called: Hereditary breast and ovarian cancer syndrome (HBOC); Hereditary breast and ovarian cancer syndrome; Breast and ovarian cancer; Hereditary breast and ovarian cancer; Hereditary breast and/or ovarian cancer syndrome; BRCA1- and BRCA2-Associated Hereditary Breast and Ovarian Cancer. Identifiers: Orphanet 145, MedGen C0677776, MeSH D061325, MONDO:0003582. Disease mechanism: loss of function.
Hereditary cancer-predisposing syndrome. Also called: Neoplastic Syndromes, Hereditary; Tumor predisposition; Hereditary neoplastic syndrome; Hereditary Cancer Syndrome. Identifiers: Orphanet 140162, MedGen C0027672, MeSH D009386, MONDO:0015356.

Allele frequency attached by ClinVar (database versions not stated): ExAC 0.00001; gnomAD exomes 0.00001.
gnomAD v4.1: 5 of 1,614,100 alleles (0.00031%); highest among the groups gnomAD compares: South Asian, 0.0055%; no homozygotes.

Submissions (2):

University of Washington Department of Laboratory Medicine, University of Washington
Classification: Likely benign for Hereditary cancer-predisposing syndrome. Last evaluated: 2023-03-23. Review status: criteria provided, single submitter. Criteria: Dines et al. (Genet Med. 2020). Collection method: curation. Allele origin: germline.
Comment: Missense variant in a coldspot region where missense variants are very unlikely to be pathogenic (PMID:31911673).

BRCA2 exon 11 coldspot. Reclassification based on statistical prior probability.

Labcorp Genetics (formerly Invitae), Labcorp
Classification: Uncertain significance for Hereditary breast ovarian cancer syndrome. Last evaluated: 2018-10-13. Review status: criteria provided, single submitter. Criteria: Invitae Variant Classification Sherloc (09022015). Collection method: clinical testing. Allele origin: germline.
Comment: This sequence change replaces leucine with histidine at codon 1164 of the BRCA2 protein (p.Leu1164His). The leucine residue is moderately conserved and there is a moderate physicochemical difference between leucine and histidine. This variant is present in population databases (rs746847103, ExAC 0.006%). This variant has not been reported in the literature in individuals with BRCA2-related disease. Algorithms developed to predict the effect of missense changes on protein structure and function output the following: SIFT: "Deleterious"; PolyPhen-2: "Benign"; Align-GVGD: "Class C0". The histidine amino acid residue is found in multiple mammalian species, suggesting that this missense change does not adversely affect protein function. These predictions have not been confirmed by published functional studies and their clinical significance is uncertain. In summary, the available evidence is currently insufficient to determine the role of this variant in disease. Therefore, it has been classified as a Variant of Uncertain Significance.

NM_000059.4(BRCA2):c.3491T>A (p.Leu1164His)

Gene: BRCA2 (BRCA2 DNA repair associated; plus strand). Cytogenetic location: 13q13.1.
Variant type: single nucleotide variant.
Coding change: c.3491T>A on transcript NM_000059.4 (MANE Select); coding-DNA position 3491, T replaced by A.
Protein change: p.Leu1164His; replaces leucine 1164 with histidine.
Molecular consequence: missense variant.
Genome position (GRCh38, 1-based): chr13:32,337,846, T>A. VCF-style: chr13-32337846-T-A. GRCh37 (hg19) VCF-style: chr13-32911983-T-A.
Other names: short protein forms L1164H.
Identifiers: ClinVar variation 663785 (VCV000663785.10), dbSNP rs746847103, ClinGen allele CA6940700.